The following is an entry in ClinVar:

NM_001145860.2(POP1):c.1297C>T (p.Arg433Trp)

Gene: POP1 (POP1 ribonuclease P/MRP subunit; plus strand). Cytogenetic location: 8q22.2.
Variant type: single nucleotide variant.
Coding change: c.1297C>T on transcript NM_001145860.2 (MANE Select); coding-DNA position 1297, C replaced by T.
Protein change: p.Arg433Trp; replaces arginine 433 with tryptophan.
Molecular consequence: missense variant.
Genome position (GRCh38, 1-based): chr8:98,136,889, C>T. VCF-style: chr8-98136889-C-T. GRCh37 (hg19) VCF-style: chr8-99149117-C-T.
Other names: c.1297C>T, p.Arg433Trp (NM_001145861.2, NM_015029.3); c.1297C>T (NM_015029.2); short protein forms R433W.
Identifiers: ClinVar variation 4532105 (VCV004532105.2).

ClinVar aggregate classification (germline): Uncertain significance. Review status: criteria provided, multiple submitters, no conflicts (2 of 4 stars). 2 submissions from 2 submitters: Uncertain significance (2). Last evaluated 2025-11-20.

Conditions:
Anauxetic dysplasia 2 (ANXD2). Identifiers: MedGen C4479357, MONDO:0054561, OMIM 617396.
Inborn genetic diseases. Identifiers: MedGen C0950123, MeSH D030342.

Submissions (2):

Ambry Genetics
Classification: Uncertain significance for Inborn genetic diseases. Last evaluated: 2025-11-20. Review status: criteria provided, single submitter. Criteria: Ambry Variant Classification Scheme 2023. Collection method: clinical testing. Allele origin: germline.

Victorian Clinical Genetics Services, Murdoch Childrens Research Institute
Classification: Uncertain significance for Anauxetic dysplasia 2. Last evaluated: 2025-07-15. Review status: criteria provided, single submitter. Criteria: ACMG Guidelines, 2015. Collection method: clinical testing. Allele origin: germline. Affected: yes.
Comment: This variant is classified as VUS-3B. Evidence in support of pathogenic classification: Variant is present in gnomAD <0.01 for a recessive condition (v4: 27 heterozygote(s), 0 homozygote(s)); Missense variant predicted to be damaging by in silico tool(s) or highly conserved with a major amino acid change. Additional information: Variant is predicted to result in a missense amino acid change from Arg to Trp; This variant is heterozygous; This gene is associated with autosomal recessive disease; Alternative amino acid change(s) at the same position are present in gnomAD (Highest allele count: v4: 32 heterozygote(s), 0 homozygote(s)); This variant has no previous evidence of pathogenicity; No published evidence of segregation with disease has been identified for this variant; No published functional evidence has been identified for this variant; No comparable missense variants have previous evidence for pathogenicity; Variant is not located in an established domain, motif, hotspot or informative constraint region; Loss of function is a known mechanism of disease in this gene and is associated with anauxetic dysplasia 2 (MIM#617396).